The following is an entry in ClinVar:

NM_032108.4(SEMA6B):c.1967A>G (p.Glu656Gly)

Gene: SEMA6B (semaphorin 6B; minus strand). Cytogenetic location: 19p13.3.
Variant type: single nucleotide variant.
Coding change: c.1967A>G on transcript NM_032108.4 (MANE Select); coding-DNA position 1967, A replaced by G.
Protein change: p.Glu656Gly; replaces glutamic acid 656 with glycine.
Molecular consequence: missense variant.
Genome position (GRCh38, 1-based): chr19:4,544,301, T>C on the plus strand (A>G on the coding strand, the complement: SEMA6B is on the minus strand). VCF-style: chr19-4544301-T-C. GRCh37 (hg19) VCF-style: chr19-4544313-T-C.
Other names: short protein forms E656G.
Identifiers: ClinVar variation 2326779 (VCV002326779.27), dbSNP rs564925636, ClinGen allele CA9102274.
Genomic context (GRCh38, chr19:4,544,301, plus strand): 5'-GGAACCCCGGCGCCACCGCCACCGCCTCCGCCCCGGCCCCCGGGACCCTGCGCCCTGCGC[T>C]CGCCCAGGCGGCTGACGCTCAGCACCGCCTCGCCCGCCCCGTGCGCCAGGATGGCCTCCT-3'
Protein context (NP_115484.2, residues 646-666): EAVLSVSRLG[Glu656Gly]RRAQGPGGRG

ClinVar aggregate classification (germline): Benign/Likely benign. Review status: criteria provided, multiple submitters, no conflicts (2 of 4 stars). 4 submissions from 4 submitters: Benign (1); Likely benign (1). 2 of the submissions do not count toward it. Last evaluated 2026-05-01.

Conditions:
SEMA6B-related disorder. Also called: SEMA6B-related condition.
Optic atrophy. Identifiers: MedGen C0029124, MONDO:0003608, HP:0000648.
Inborn genetic diseases. Identifiers: MedGen C0950123, MeSH D030342.

Allele frequency attached by ClinVar (database versions not stated): 1000 Genomes Project 0.00020; ExAC 0.00029; 1000 Genomes Project 30x 0.00062; TOPMed 0.00098; gnomAD 0.00106.
gnomAD v4.1: 2,605 of 1,467,904 alleles (0.18%); highest among the groups gnomAD compares: Non-Finnish European, 0.21%; 7 homozygotes.

Submissions (4):

CeGaT Center for Human Genetics Tuebingen
Classification: Benign. Last evaluated: 2026-05-01. Review status: criteria provided, single submitter. Criteria: CeGaT Center For Human Genetics Tuebingen Variant Classification Criteria Version 2. Collection method: clinical testing. Allele origin: germline. Affected: yes. Observed: 4 variant alleles.
Comment: SEMA6B: BS1, BS2

Ambry Genetics
Classification: Likely benign for Inborn genetic diseases. Last evaluated: 2021-07-14. Review status: criteria provided, single submitter. Criteria: Ambry Variant Classification Scheme 2023. Collection method: clinical testing. Allele origin: germline.

PreventionGenetics, part of Exact Sciences
Classification: Likely benign for SEMA6B-related condition. Last evaluated: 2022-02-04. Review status: no assertion criteria provided. Collection method: clinical testing. Allele origin: germline. Not counted in ClinVar's aggregate classification.
Comment: This variant is classified as likely benign based on ACMG/AMP sequence variant interpretation guidelines (Richards et al. 2015 PMID: 25741868, with internal and published modifications).

Institute of Human Genetics, Univ. Regensburg, Univ. Regensburg
Classification: Uncertain significance for Optic atrophy. Last evaluated: 2022-01-01. Review status: no assertion criteria provided. Criteria: ACMG Guidelines, 2015. Collection method: clinical testing. Allele origin: germline. Affected: yes. Not counted in ClinVar's aggregate classification.